The following is an entry in ClinVar:

ClinVar aggregate classification (germline): Uncertain significance. Review status: criteria provided, multiple submitters, no conflicts (2 of 4 stars). 5 submissions from 5 submitters: Uncertain significance (5). Last evaluated 2026-03-28.

Conditions:
PLEC-related disorder. Also called: PLEC-related condition; PLEC-related disorders.
Inborn genetic diseases. Identifiers: MedGen C0950123, MeSH D030342.
Autosomal recessive limb-girdle muscular dystrophy type 2Q (LGMDR17). Also called: MUSCULAR DYSTROPHY, LIMB-GIRDLE, AUTOSOMAL RECESSIVE 17. Identifiers: Orphanet 254361, MedGen C3150989, MONDO:0013390, OMIM 613723.
Epidermolysis bullosa simplex, Ogna type (EBS5A). Also called: Pidermolysis bullosa simplex 5A, Ogna type; EPIDERMOLYSIS BULLOSA SIMPLEX 5A, OGNA TYPE. Identifiers: Orphanet 79401, MedGen C0432317, MONDO:0007555, OMIM 131950.
Epidermolysis bullosa simplex with nail dystrophy (EBS5D). Identifiers: MedGen C4225309, MONDO:0014661, OMIM 616487.
Epidermolysis bullosa simplex 5C, with pyloric atresia (EBS5C). Also called: PLEC-Related Epidermolysis Bullosa with Pyloric Atresia; Epidermolysis bullosa simplex with pyloric atresia; PLEC1-Related Epidermolysis Bullosa with Pyloric Atresia. Identifiers: Orphanet 158684, MedGen C2677349, MONDO:0012807, OMIM 612138.
Epidermolysis bullosa simplex 5B, with muscular dystrophy (EBS5B). Also called: EPIDERMOLYSIS BULLOSA SIMPLEX AND LIMB-GIRDLE MUSCULAR DYSTROPHY; Epidermolysis bullosa simplex with muscular dystrophy. Identifiers: Orphanet 257, MedGen C2931072, MONDO:0009181, OMIM 226670.

Allele frequency attached by ClinVar (database versions not stated): gnomAD 0.00002 and 0.00005; TOPMed 0.00004; gnomAD exomes 0.00010 and 0.00014; 1000 Genomes Project 30x 0.00016; ExAC 0.00018; 1000 Genomes Project 0.00020.
gnomAD v4.1: 151 of 1,596,652 alleles (0.0095%); highest among the groups gnomAD compares: South Asian, 0.094%; no homozygotes.

Submissions (5):

PreventionGenetics, part of Exact Sciences
Classification: Uncertain significance for PLEC-related condition. Last evaluated: 2026-03-28. Review status: criteria provided, single submitter. Criteria: ACMG Guidelines, 2015. Collection method: clinical testing. Allele origin: germline.
Comment: The PLEC c.5675G>A variant is predicted to result in the amino acid substitution p.Arg1892His. To our knowledge, this variant has not been reported in the literature. This variant is reported in 0.087% of alleles in individuals of South Asian descent in gnomAD. Although we suspect that this variant may be benign, at this time, the clinical significance of this variant is uncertain due to the absence of conclusive functional and genetic evidence.

Labcorp Genetics (formerly Invitae), Labcorp
Classification: Uncertain significance for Autosomal recessive limb-girdle muscular dystrophy type 2Q; Epidermolysis bullosa simplex, Ogna type; Epidermolysis bullosa simplex with nail dystrophy; Epidermolysis bullosa simplex 5C, with pyloric atresia; Epidermolysis bullosa simplex 5B, with muscular dystrophy. Last evaluated: 2025-04-23. Review status: criteria provided, single submitter. Criteria: Invitae Variant Classification Sherloc (09022015). Collection method: clinical testing. Allele origin: germline.
Comment: This sequence change replaces arginine, which is basic and polar, with histidine, which is basic and polar, at codon 1892 of the PLEC protein (p.Arg1892His). This variant is present in population databases (rs569571032, gnomAD 0.09%). This variant has not been reported in the literature in individuals affected with PLEC-related conditions. ClinVar contains an entry for this variant (Variation ID: 846941). Experimental studies and prediction algorithms are not available or were not evaluated, and the functional significance of this variant is currently unknown. In summary, the available evidence is currently insufficient to determine the role of this variant in disease. Therefore, it has been classified as a Variant of Uncertain Significance.

Ambry Genetics
Classification: Uncertain significance for Inborn genetic diseases. Last evaluated: 2024-04-08. Review status: criteria provided, single submitter. Criteria: Ambry Variant Classification Scheme 2023. Collection method: clinical testing. Allele origin: germline.

Blueprint Genetics
Classification: Uncertain significance. Last evaluated: 2024-02-07. Review status: criteria provided, single submitter. Criteria: ACMG Guidelines, 2015. Collection method: clinical testing. Allele origin: germline.

Athena Diagnostics
Classification: Uncertain significance. Last evaluated: 2020-09-17. Review status: criteria provided, single submitter. Criteria: Athena Diagnostics criteria. Collection method: clinical testing. Allele origin: unknown.

NM_201384.3(PLEC):c.5594G>A (p.Arg1865His)

Gene: PLEC (plectin; minus strand). Cytogenetic location: 8q24.3.
Variant type: single nucleotide variant.
Coding change: c.5594G>A on transcript NM_201384.3 (MANE Select); coding-DNA position 5594, G replaced by A.
Protein change: p.Arg1865His; replaces arginine 1865 with histidine.
Molecular consequence: missense variant.
Genome position (GRCh38, 1-based): chr8:143,924,335, C>T on the plus strand (G>A on the coding strand, the complement: PLEC is on the minus strand). VCF-style: chr8-143924335-C-T. GRCh37 (hg19) VCF-style: chr8-144998503-C-T.
Other names: c.5675G>A, p.Arg1892His (NM_000445.5); c.5552G>A, p.Arg1851His (NM_201378.4); c.5528G>A, p.Arg1843His (NM_201379.3); c.6005G>A, p.Arg2002His (NM_201380.4); c.5498G>A, p.Arg1833His (NM_201381.3); c.5594G>A, p.Arg1865His (NM_201382.4); c.5606G>A, p.Arg1869His (NM_201383.3); short protein forms R1843H, R1833H, R1892H, R2002H, R1851H, R1865H, R1869H.
Identifiers: ClinVar variation 846941 (VCV000846941.12), dbSNP rs569571032, ClinGen allele CA4926312.